The following is an entry in ClinVar:

ClinVar aggregate classification (germline): Likely benign (1 of 4 stars; one submission).

Allele frequency attached by ClinVar (database versions not stated): gnomAD exomes 0.00007; ExAC 0.00024; gnomAD 0.00068; TOPMed 0.00075; 1000 Genomes Project 0.00120; 1000 Genomes Project 30x 0.00125; ESP Exome Variant Server 0.00139.
gnomAD v4.1: 190 of 1,495,430 alleles (0.013%); highest among the groups gnomAD compares: African/African-American, 0.24%; no homozygotes.

Submission:

CeGaT Center for Human Genetics Tuebingen
Classification: Likely benign. Last evaluated: 2025-12-01. Review status: criteria provided, single submitter. Criteria: CeGaT Center For Human Genetics Tuebingen Variant Classification Criteria Version 2. Collection method: clinical testing. Allele origin: germline. Affected: yes. Observed: 2 variant alleles.
Comment: NF1: BS1

NM_001042492.3(NF1):c.655-35A>C

Gene: NF1 (neurofibromin 1; plus strand). Cytogenetic location: 17q11.2.
Variant type: single nucleotide variant.
Coding change: c.655-35A>C on transcript NM_001042492.3 (MANE Select); 35 bases into the intron before coding-DNA position 655, A replaced by C.
Molecular consequence: intron variant.
Genome position (GRCh38, 1-based): chr17:31,181,675, A>C. VCF-style: chr17-31181675-A-C. GRCh37 (hg19) VCF-style: chr17-29508693-A-C.
Other names: c.655-35A>C (NM_000267.4, NM_001128147.3).
Identifiers: ClinVar variation 1711433 (VCV001711433.30), dbSNP rs76853817, ClinGen allele CA8485590.